The following is an entry in ClinVar:

NM_000245.4(MET):c.3712C>T (p.His1238Tyr)

Gene: MET (MET proto-oncogene, receptor tyrosine kinase; plus strand). Cytogenetic location: 7q31.2.
Variant type: single nucleotide variant.
Coding change: c.3712C>T on transcript NM_000245.4 (MANE Select); coding-DNA position 3712, C replaced by T.
Protein change: p.His1238Tyr; replaces histidine 1238 with tyrosine.
Molecular consequence: missense variant.
Genome position (GRCh38, 1-based): chr7:116,783,383, C>T. VCF-style: chr7-116783383-C-T. GRCh37 (hg19) VCF-style: chr7-116423437-C-T.
Other names: c.3766C>T, p.His1256Tyr (NM_001127500.3); c.2422C>T, p.His808Tyr (NM_001324402.2); short protein forms H808Y, H1238Y, H1256Y.
Identifiers: ClinVar variation 5024348 (VCV005024348.1).

ClinVar aggregate classification (germline): Uncertain significance (1 of 4 stars; one submission).

Conditions:
Hereditary cancer-predisposing syndrome. Also called: Neoplastic Syndromes, Hereditary; Tumor predisposition; Hereditary neoplastic syndrome; Hereditary Cancer Syndrome. Identifiers: Orphanet 140162, MedGen C0027672, MeSH D009386, MONDO:0015356.

Submission:

Ambry Genetics
Classification: Uncertain significance for Hereditary cancer-predisposing syndrome. Last evaluated: 2026-07-06. Review status: criteria provided, single submitter. Criteria: Ambry Variant Classification Scheme 2023. Collection method: clinical testing. Allele origin: germline.
Comment: The p.H1238Y variant (also known as c.3712C>T), located in coding exon 18 of the MET gene, results from a C to T substitution at nucleotide position 3712. The histidine at codon 1238 is replaced by tyrosine, an amino acid with similar properties. This amino acid position is conserved. In addition, this alteration is predicted to be deleterious by in silico analysis. Based on the available evidence, the clinical significance of this variant remains unclear.